The following is an entry in ClinVar:

ClinVar aggregate classification (germline): Uncertain significance (1 of 4 stars; one submission).

Allele frequency attached by ClinVar (database versions not stated): gnomAD exomes 0.00001; ExAC 0.00002; gnomAD 0.00002; TOPMed 0.00002.
gnomAD v4.1: 11 of 1,574,008 alleles (0.0007%); highest among the groups gnomAD compares: East Asian, 0.0046%; no homozygotes.

Submission:

Labcorp Genetics (formerly Invitae), Labcorp
Classification: Uncertain significance. Last evaluated: 2024-09-05. Review status: criteria provided, single submitter. Criteria: Invitae Variant Classification Sherloc (09022015). Collection method: clinical testing. Allele origin: germline.
Comment: This sequence change replaces threonine, which is neutral and polar, with isoleucine, which is neutral and non-polar, at codon 328 of the MAP3K20 protein (p.Thr328Ile). This variant is present in population databases (rs755881907, gnomAD 0.03%). This variant has not been reported in the literature in individuals affected with MAP3K20-related conditions. ClinVar contains an entry for this variant (Variation ID: 1354316). Invitae Evidence Modeling of protein sequence and biophysical properties (such as structural, functional, and spatial information, amino acid conservation, physicochemical variation, residue mobility, and thermodynamic stability) indicates that this missense variant is not expected to disrupt MAP3K20 protein function with a negative predictive value of 95%. In summary, the available evidence is currently insufficient to determine the role of this variant in disease. Therefore, it has been classified as a Variant of Uncertain Significance.

NM_016653.3(MAP3K20):c.983C>T (p.Thr328Ile)

Genes: MAP3K20 (mitogen-activated protein kinase kinase kinase 20; plus strand), MAP3K20-AS1 (MAP3K20 antisense RNA 1; minus strand). Cytogenetic location: 2q31.1.
Variant type: single nucleotide variant.
Coding change: c.983C>T on transcript NM_016653.3 (MANE Select); coding-DNA position 983, C replaced by T.
Protein change: p.Thr328Ile; replaces threonine 328 with isoleucine.
Molecular consequence: missense variant.
Genome position (GRCh38, 1-based): chr2:173,217,246, C>T. VCF-style: chr2-173217246-C-T. GRCh37 (hg19) VCF-style: chr2-174081974-C-T.
Other names: c.983C>T, p.Thr328Ile (NM_133646.3); short protein forms T328I.
Identifiers: ClinVar variation 1354316 (VCV001354316.6), dbSNP rs755881907, ClinGen allele CA1970596.